The following is an entry in ClinVar:

NM_203447.4(DOCK8):c.5266A>T (p.Ile1756Phe)

Gene: DOCK8 (dedicator of cytokinesis 8; plus strand). Cytogenetic location: 9p24.3.
Variant type: single nucleotide variant.
Coding change: c.5266A>T on transcript NM_203447.4 (MANE Select); coding-DNA position 5266, A replaced by T.
Protein change: p.Ile1756Phe; replaces isoleucine 1756 with phenylalanine.
Molecular consequence: missense variant.
Genome position (GRCh38, 1-based): chr9:441,328, A>T. VCF-style: chr9-441328-A-T. GRCh37 (hg19) VCF-style: chr9-441328-A-T.
Other names: c.4966A>T, p.Ile1656Phe (NM_001190458.2); c.5062A>T, p.Ile1688Phe (NM_001193536.2); short protein forms I1756F, I1656F, I1688F.
Identifiers: ClinVar variation 581368 (VCV000581368.9), dbSNP rs373154957, ClinGen allele CA372768026.

ClinVar aggregate classification (germline): Uncertain significance (1 of 4 stars; one submission).

Conditions:
Combined immunodeficiency due to DOCK8 deficiency (HIES2). Also called: HYPER-IgE SYNDROME 2, AUTOSOMAL RECESSIVE, WITH RECURRENT INFECTIONS; Hyper-IgE recurrent infection syndrome, autosomal recessive; HIES autosomal recessive; DOCK8 Deficiency; HYPER-IgE RECURRENT INFECTION SYNDROME 2, AUTOSOMAL RECESSIVE. Identifiers: Orphanet 217390, MedGen C4722305, MONDO:0009478, OMIM 243700.

Submission:

Labcorp Genetics (formerly Invitae), Labcorp
Classification: Uncertain significance for Combined immunodeficiency due to DOCK8 deficiency. Last evaluated: 2020-01-28. Review status: criteria provided, single submitter. Criteria: Invitae Variant Classification Sherloc (09022015). Collection method: clinical testing. Allele origin: germline.
Comment: This variant is not present in population databases (ExAC no frequency). This sequence change replaces isoleucine with phenylalanine at codon 1756 of the DOCK8 protein (p.Ile1756Phe). The isoleucine residue is moderately conserved and there is a small physicochemical difference between isoleucine and phenylalanine. Algorithms developed to predict the effect of missense changes on protein structure and function are either unavailable or do not agree on the potential impact of this missense change (SIFT: "Deleterious"; PolyPhen-2: "Possibly Damaging"; Align-GVGD: "Class C0"). In summary, the available evidence is currently insufficient to determine the role of this variant in disease. Therefore, it has been classified as a Variant of Uncertain Significance. This variant has not been reported in the literature in individuals with DOCK8-related disease.